The following is an entry in ClinVar:

NM_030777.4(SLC2A10):c.186C>T (p.Ser62=)

Gene: SLC2A10 (solute carrier family 2 member 10; plus strand). Cytogenetic location: 20q13.12.
Variant type: single nucleotide variant.
Coding change: c.186C>T on transcript NM_030777.4 (MANE Select); coding-DNA position 186, C replaced by T.
Protein change: p.Ser62=; no amino-acid change (serine 62 retained).
Molecular consequence: synonymous variant.
Genome position (GRCh38, 1-based): chr20:46,725,222, C>T. VCF-style: chr20-46725222-C-T. GRCh37 (hg19) VCF-style: chr20-45353861-C-T.
Other names: c.186C>T (NM_030777.3).
Identifiers: ClinVar variation 2069629 (VCV002069629.7), dbSNP rs761492208, ClinGen allele CA9891929.

ClinVar aggregate classification (germline): Likely benign. Review status: criteria provided, multiple submitters, no conflicts (2 of 4 stars). 3 submissions from 3 submitters: Likely benign (3). Last evaluated 2026-04-01.

Conditions:
Familial thoracic aortic aneurysm and aortic dissection (TAAD). Also called: Thoracic aortic aneurysms and dissections. Identifiers: Orphanet 91387, MedGen C4707243, MONDO:0019625.
Arterial tortuosity syndrome (ATORS). Identifiers: Orphanet 3342, MedGen C1859726, MONDO:0008818, OMIM 208050.

Allele frequency attached by ClinVar (database versions not stated): gnomAD 0.00001; gnomAD exomes 0.00002; TOPMed 0.00002; ExAC 0.00006.
gnomAD v4.1: 17 of 1,614,006 alleles (0.0011%); highest among the groups gnomAD compares: Admixed American, 0.025%; no homozygotes.

Submissions (3):

CeGaT Center for Human Genetics Tuebingen
Classification: Likely benign. Last evaluated: 2026-04-01. Review status: criteria provided, single submitter. Criteria: CeGaT Center For Human Genetics Tuebingen Variant Classification Criteria Version 2. Collection method: clinical testing. Allele origin: germline. Affected: yes. Observed: 1 variant allele.
Comment: SLC2A10: BP4, BP7

Ambry Genetics
Classification: Likely benign for Familial thoracic aortic aneurysm and aortic dissection. Last evaluated: 2024-10-19. Review status: criteria provided, single submitter. Criteria: Ambry Variant Classification Scheme 2023. Collection method: clinical testing. Allele origin: germline.

Labcorp Genetics (formerly Invitae), Labcorp
Classification: Likely benign for Arterial tortuosity syndrome. Last evaluated: 2022-09-28. Review status: criteria provided, single submitter. Criteria: Invitae Variant Classification Sherloc (09022015). Collection method: clinical testing. Allele origin: germline.